The following is an entry in ClinVar:

ClinVar aggregate classification (germline): Conflicting classifications of pathogenicity. Review status: criteria provided, conflicting classifications (1 of 4 stars). 3 submissions from 3 submitters: Uncertain significance (2); Benign (1). Last evaluated 2026-02-20.

Conditions:
Ehlers-Danlos syndrome, classic type, 1 (EDSCL1). Also called: Ehlers-Danlos syndrome, type 1; EHLERS-DANLOS SYNDROME, GRAVIS TYPE; EHLERS-DANLOS SYNDROME, SEVERE CLASSIC TYPE; Ehlers-Danlos Syndrome, Classic Type, COL5A1-Related; EDS I. Identifiers: MedGen C0268335, MONDO:0019567, OMIM 130000.
Familial thoracic aortic aneurysm and aortic dissection (TAAD). Also called: Thoracic aortic aneurysms and dissections. Identifiers: Orphanet 91387, MedGen C4707243, MONDO:0019625.

Allele frequency attached by ClinVar (database versions not stated): ExAC 0.00002; TOPMed below 0.00001; gnomAD 0.00001.
gnomAD v4.1: 19 of 1,613,424 alleles (0.0012%); highest among the groups gnomAD compares: Middle Eastern, 0.017%; no homozygotes.

Submissions (3):

GeneDx
Classification: Uncertain significance. Last evaluated: 2026-02-20. Review status: criteria provided, single submitter. Criteria: GeneDx Variant Classification Process June 2021. Collection method: clinical testing. Allele origin: germline.
Comment: Has not been previously published as pathogenic or benign to our knowledge; Not observed at significant frequency in large population cohorts (gnomAD); In silico analysis suggests that this missense variant does not alter protein structure/function; Not located in the triple helical region, where the majority of pathogenic missense variants occur (PMID: 22696272, HGMD); This variant is associated with the following publications: (PMID: 22696272)

Labcorp Genetics (formerly Invitae), Labcorp
Classification: Benign for Ehlers-Danlos syndrome, classic type, 1. Last evaluated: 2025-07-06. Review status: criteria provided, single submitter. Criteria: Invitae Variant Classification Sherloc (09022015). Collection method: clinical testing. Allele origin: germline.

Ambry Genetics
Classification: Uncertain significance for Familial thoracic aortic aneurysm and aortic dissection. Last evaluated: 2025-02-07. Review status: criteria provided, single submitter. Criteria: Ambry Variant Classification Scheme 2023. Collection method: clinical testing. Allele origin: germline.
Comment: The p.A81V variant (also known as c.242C>T), located in coding exon 2 of the COL5A1 gene, results from a C to T substitution at nucleotide position 242. The alanine at codon 81 is replaced by valine, an amino acid with similar properties. This amino acid position is highly conserved in available vertebrate species. In addition, the in silico prediction for this alteration is inconclusive. Based on the available evidence, the clinical significance of this variant remains unclear.

NM_000093.5(COL5A1):c.242C>T (p.Ala81Val)

Gene: COL5A1 (collagen type V alpha 1 chain; plus strand). Cytogenetic location: 9q34.3.
Variant type: single nucleotide variant.
Coding change: c.242C>T on transcript NM_000093.5 (MANE Select); coding-DNA position 242, C replaced by T.
Protein change: p.Ala81Val; replaces alanine 81 with valine.
Molecular consequence: missense variant.
Genome position (GRCh38, 1-based): chr9:134,691,044, C>T. VCF-style: chr9-134691044-C-T. GRCh37 (hg19) VCF-style: chr9-137582890-C-T.
Other names: c.242C>T, p.Ala81Val (NM_001278074.1); short protein forms A81V.
Identifiers: ClinVar variation 1703432 (VCV001703432.6), dbSNP rs752620199, ClinGen allele CA5318242.